The following is an entry in ClinVar:

ClinVar aggregate classification (germline): Pathogenic (1 of 4 stars; one submission).

Conditions:
Hereditary hemorrhagic telangiectasia (HHT). Also called: ORW DISEASE; Osler Weber Rendu syndrome; OSLER-RENDU-WEBER DISEASE; Osler hemorrhagic telangiectasia syndrome. Identifiers: Orphanet 774, MedGen C0039445, MONDO:0019180. Disease mechanism: loss of function.

Submission:

Labcorp Genetics (formerly Invitae), Labcorp
Classification: Pathogenic for Hereditary hemorrhagic telangiectasia. Last evaluated: 2023-04-22. Review status: criteria provided, single submitter. Criteria: Invitae Variant Classification Sherloc (09022015). Collection method: clinical testing. Allele origin: germline.
Comment: Algorithms developed to predict the effect of sequence changes on RNA splicing suggest that this variant may disrupt the consensus splice site. For these reasons, this variant has been classified as Pathogenic. This variant is also known as c.991+1del. This variant has not been reported in the literature in individuals affected with ENG-related conditions. This variant is not present in population databases (gnomAD no frequency). This sequence change creates a premature translational stop signal (Splice site) in the ENG gene. It is expected to result in an absent or disrupted protein product. Loss-of-function variants in ENG are known to be pathogenic (PMID: 15879500).

Literature cited by the submitters: PubMed 15879500.

NM_001114753.3(ENG):c.991+1del

Gene: ENG (endoglin; minus strand). Cytogenetic location: 9q34.11.
Variant type: Deletion.
Coding change: c.991+1del on transcript NM_001114753.3 (MANE Select); the canonical splice donor site of the intron after coding-DNA position 991, one base deleted (G; older notation c.991+1delG).
Molecular consequence: splice donor variant.
Genome position (GRCh38, 1-based): chr9:127,824,799, C deleted on the plus strand (G on the coding strand, the reverse complement: ENG is on the minus strand); the first of 2 consecutive C bases (chr9:127,824,799-127,824,800); deleting either gives the same sequence. VCF-style (leftmost placement, unchanged base first): chr9-127824798-AC-A. GRCh37 (hg19) VCF-style: chr9-130587077-AC-A.
Other names: c.991+1del (NM_000118.4, NM_001406715.1); c.445+1del (NM_001278138.2).
Identifiers: ClinVar variation 2780947 (VCV002780947.3), dbSNP rs2539072629, ClinGen allele CA2739265075.
Genomic context (GRCh38, chr9:127,824,798, plus strand): 5'-ACAGTGTGGCCACTGATCCAAGGGAGGGGAAGGGAAGGGAGGGGCAGGGGAAGGGTGCTC[AC>A]CGCAGCTGGAGGCATGAAGTGAGACAATGCTGGCCAGCGGTAGCTCCACGAAGGATGCCA-3'